The following is an entry in ClinVar:

ClinVar aggregate classification (germline): Benign. Review status: criteria provided, single submitter (1 of 4 stars). 2 submissions from 1 submitter: Benign (2). Last evaluated 2018-01-12.

Conditions:
Susceptibility to mononeuropathy of the median nerve, mild. Also called: CARPAL TUNNEL SYNDROME, SUSCEPTIBILITY TO. Identifiers: MedGen C3150596, MONDO:0013237, OMIM 613353.
Charcot-Marie-Tooth disease type 4C (CMT4C). Also called: CHARCOT-MARIE-TOOTH DISEASE, DEMYELINATING, AUTOSOMAL RECESSIVE, TYPE 4C; CMT 4C; Charcot-Marie-Tooth Neuropathy Type 4C (CMT4C); CHARCOT-MARIE-TOOTH DISEASE, DEMYELINATING, TYPE 4C; SH3TC2-Related Hereditary Motor and Sensory Neuropathy. Identifiers: Orphanet 99949, MedGen C1866636, MONDO:0011113, OMIM 601596.

Allele frequency attached by ClinVar (database versions not stated): TOPMed 0.15361; 1000 Genomes Project 30x 0.15865; 1000 Genomes Project 0.16134; gnomAD 0.16396 and 0.16704.

Submissions (2):

Illumina Laboratory Services, Illumina
Classification: Benign for Susceptibility to mononeuropathy of the median nerve, mild. Last evaluated: 2018-01-12. Review status: criteria provided, single submitter. Criteria: ICSL Variant Classification Criteria 13 December 2019. Collection method: clinical testing. Allele origin: germline.
Comment: This variant was observed in the ICSL laboratory as part of a predisposition screen in an ostensibly healthy population. It had not been previously curated by ICSL or reported in the Human Gene Mutation Database (HGMD: prior to June 1st, 2018), and was therefore a candidate for classification through an automated scoring system. Utilizing variant allele frequency, disease prevalence and penetrance estimates, and inheritance mode, an automated score was calculated to assess if this variant is too frequent to cause the disease. Based on the score and internal cut-off values, a variant classified as benign is not then subjected to further curation. The score for this variant resulted in a classification of benign for this disease.

Illumina Laboratory Services, Illumina
Classification: Benign for Charcot-Marie-Tooth disease type 4C. Last evaluated: 2018-01-12. Review status: criteria provided, single submitter. Criteria: ICSL Variant Classification Criteria 13 December 2019. Collection method: clinical testing. Allele origin: germline.
Comment: the same text as in the submission from Illumina Laboratory Services, Illumina above.

NM_024577.4(SH3TC2):c.*17903A>G

Gene: SH3TC2 (SH3 domain and tetratricopeptide repeats 2; minus strand). Cytogenetic location: 5q32.
Variant type: single nucleotide variant.
Coding change: c.*17903A>G on transcript NM_024577.4 (MANE Select); 17903 bases downstream of the stop codon, A replaced by G.
Molecular consequence: 3 prime UTR variant.
Genome position (GRCh38, 1-based): chr5:148,986,808, T>C on the plus strand (A>G on the coding strand, the complement: SH3TC2 is on the minus strand). VCF-style: chr5-148986808-T-C. GRCh37 (hg19) VCF-style: chr5-148366371-T-C.
Identifiers: ClinVar variation 351614 (VCV000351614.5), dbSNP rs76444127, ClinGen allele CA10620566.
Genomic context (GRCh38, chr5:148,986,808, plus strand): 5'-GTCAACCAAATGTGACGAGCCTAAATCCCATTCCCATGCTGTAATCTCCCAGTCCTGTTC[T>C]GTCTTGCTCCTCCAAGGGACACGTTGTATAAACAGCATCAAGTGTTAACTTGTTAAAACA-3'